The following is an entry in ClinVar:

ClinVar aggregate classification (germline): Conflicting classifications of pathogenicity. Review status: criteria provided, conflicting classifications (1 of 4 stars). 2 submissions from 2 submitters: Uncertain significance (1); Likely benign (1). Last evaluated 2026-01-04.

Conditions:
Gastrointestinal stromal tumor. Also called: Gastrointestinal stroma tumor; Gastrointestinal stromal tumor, somatic. Identifiers: Orphanet 44890, MedGen C0238198, MeSH D046152, MONDO:0011719, OMIM 606764, HP:0100723.
Hereditary cancer-predisposing syndrome. Also called: Tumor predisposition; Hereditary neoplastic syndrome; Hereditary Cancer Syndrome; Neoplastic Syndromes, Hereditary. Identifiers: Orphanet 140162, MedGen C0027672, MeSH D009386, MONDO:0015356.

Allele frequency attached by ClinVar (database versions not stated): gnomAD exomes 0.00001 and 0.00002; ExAC 0.00002.
gnomAD v4.1: 4 of 1,614,236 alleles (0.00025%); highest among the groups gnomAD compares: East Asian, 0.0089%; no homozygotes.

Submissions (2):

Labcorp Genetics (formerly Invitae), Labcorp
Classification: Uncertain significance for Gastrointestinal stromal tumor. Last evaluated: 2026-01-04. Review status: criteria provided, single submitter. Criteria: Invitae Variant Classification Sherloc (09022015). Collection method: clinical testing. Allele origin: germline.
Comment: This sequence change replaces asparagine, which is neutral and polar, with aspartic acid, which is acidic and polar, at codon 328 of the PDGFRA protein (p.Asn328Asp). This variant is present in population databases (rs772538462, gnomAD 0.02%). This variant has not been reported in the literature in individuals affected with PDGFRA-related conditions. ClinVar contains an entry for this variant (Variation ID: 528511). Invitae Evidence Modeling of protein sequence and biophysical properties (such as structural, functional, and spatial information, amino acid conservation, physicochemical variation, residue mobility, and thermodynamic stability) indicates that this missense variant is not expected to disrupt PDGFRA protein function with a negative predictive value of 80%. In summary, the available evidence is currently insufficient to determine the role of this variant in disease. Therefore, it has been classified as a Variant of Uncertain Significance.

Ambry Genetics
Classification: Likely benign for Hereditary cancer-predisposing syndrome. Last evaluated: 2024-08-21. Review status: criteria provided, single submitter. Criteria: Ambry Variant Classification Scheme 2023. Collection method: clinical testing. Allele origin: germline.

NM_006206.6(PDGFRA):c.982A>G (p.Asn328Asp)

Gene: PDGFRA (platelet derived growth factor receptor alpha; plus strand). Cytogenetic location: 4q12.
Variant type: single nucleotide variant.
Coding change: c.982A>G on transcript NM_006206.6 (MANE Select); coding-DNA position 982, A replaced by G.
Protein change: p.Asn328Asp; replaces asparagine 328 with aspartic acid.
Molecular consequence: missense variant.
Genome position (GRCh38, 1-based): chr4:54,267,602, A>G. VCF-style: chr4-54267602-A-G. GRCh37 (hg19) VCF-style: chr4-55133769-A-G.
Other names: c.982A>G, p.Asn328Asp (NM_001347827.2, NM_001347829.2); c.1057A>G, p.Asn353Asp (NM_001347828.2); c.1021A>G, p.Asn341Asp (NM_001347830.2); short protein forms N328D, N341D, N353D.
Identifiers: ClinVar variation 528511 (VCV000528511.9), dbSNP rs772538462, ClinGen allele CA2922445.